The following is an entry in ClinVar:

ClinVar aggregate classification (germline): Uncertain significance (1 of 4 stars; one submission).

gnomAD v4.1: 88 of 1,613,986 alleles (0.0055%); highest among the groups gnomAD compares: Admixed American, 0.0067%; no homozygotes.

Submission:

Labcorp Genetics (formerly Invitae), Labcorp
Classification: Uncertain significance. Last evaluated: 2025-05-09. Review status: criteria provided, single submitter. Criteria: Invitae Variant Classification Sherloc (09022015). Collection method: clinical testing. Allele origin: germline.
Comment: This sequence change replaces valine, which is neutral and non-polar, with methionine, which is neutral and non-polar, at codon 809 of the ATP4A protein (p.Val809Met). This variant is present in population databases (rs778443222, gnomAD 0.008%). This variant has not been reported in the literature in individuals affected with ATP4A-related conditions. Invitae Evidence Modeling of protein sequence and biophysical properties (such as structural, functional, and spatial information, amino acid conservation, physicochemical variation, residue mobility, and thermodynamic stability) indicates that this missense variant is not expected to disrupt ATP4A protein function with a negative predictive value of 80%. In summary, the available evidence is currently insufficient to determine the role of this variant in disease. Therefore, it has been classified as a Variant of Uncertain Significance.

NM_000704.3(ATP4A):c.2425G>A (p.Val809Met)

Gene: ATP4A (ATPase H+/K+ transporting subunit alpha; minus strand). Cytogenetic location: 19q13.12.
Variant type: single nucleotide variant.
Coding change: c.2425G>A on transcript NM_000704.3 (MANE Select); coding-DNA position 2425, G replaced by A.
Protein change: p.Val809Met; replaces valine 809 with methionine.
Molecular consequence: missense variant.
Genome position (GRCh38, 1-based): chr19:35,554,978, C>T on the plus strand (G>A on the coding strand, the complement: ATP4A is on the minus strand). VCF-style: chr19-35554978-C-T. GRCh37 (hg19) VCF-style: chr19-36045880-C-T.
Other names: short protein forms V809M.
Identifiers: ClinVar variation 4752455 (VCV004752455.1).